The following is an entry in ClinVar:

NM_001277115.2(DNAH11):c.8673+1G>A

Gene: DNAH11 (dynein axonemal heavy chain 11; plus strand). Cytogenetic location: 7p15.3.
Variant type: single nucleotide variant.
Coding change: c.8673+1G>A on transcript NM_001277115.2 (MANE Select); the canonical splice donor site of the intron after coding-DNA position 8673, G replaced by A.
Molecular consequence: splice donor variant.
Genome position (GRCh38, 1-based): chr7:21,748,743, G>A. VCF-style: chr7-21748743-G-A. GRCh37 (hg19) VCF-style: chr7-21788361-G-A.
Identifiers: ClinVar variation 410782 (VCV000410782.7), dbSNP rs1060503041, ClinGen allele CA16612339.

ClinVar aggregate classification (germline): Likely pathogenic (1 of 4 stars; one submission).

Conditions:
Primary ciliary dyskinesia. Also called: Ciliary dyskinesia. Identifiers: Orphanet 244, MedGen C0008780, MONDO:0016575, HP:0012265.

Allele frequency attached by ClinVar (database versions not stated): gnomAD exomes below 0.00001; TOPMed 0.00001.
gnomAD v4.1: 1 of 1,613,114 alleles (0.000062%); highest among the groups gnomAD compares: Non-Finnish European, 0.000085%; no homozygotes.

Submission:

Labcorp Genetics (formerly Invitae), Labcorp
Classification: Likely pathogenic for Primary ciliary dyskinesia. Last evaluated: 2023-06-23. Review status: criteria provided, single submitter. Criteria: Invitae Variant Classification Sherloc (09022015). Collection method: clinical testing. Allele origin: germline.
Comment: This sequence change affects a donor splice site in intron 52 of the DNAH11 gene. It is expected to disrupt RNA splicing. Variants that disrupt the donor or acceptor splice site typically lead to a loss of protein function (PMID: 16199547), and loss-of-function variants in DNAH11 are known to be pathogenic (PMID: 18022865, 20513915, 22184204). This variant is not present in population databases (gnomAD no frequency). This variant has not been reported in the literature in individuals affected with DNAH11-related conditions. ClinVar contains an entry for this variant (Variation ID: 410782). Algorithms developed to predict the effect of sequence changes on RNA splicing suggest that this variant may disrupt the consensus splice site. In summary, the currently available evidence indicates that the variant is pathogenic, but additional data are needed to prove that conclusively. Therefore, this variant has been classified as Likely Pathogenic.

Literature cited by the submitters: PubMed 16199547; PubMed 18022865; PubMed 20513915; PubMed 22184204.